The following is an entry in ClinVar:

ClinVar aggregate classification (germline): Uncertain significance (1 of 4 stars; one submission).

Allele frequency attached by ClinVar (database versions not stated): gnomAD 0.00001; gnomAD exomes 0.00002; ExAC 0.00004.
gnomAD v4.1: 14 of 1,613,874 alleles (0.00087%); highest among the groups gnomAD compares: South Asian, 0.015%; no homozygotes.

Submission:

Labcorp Genetics (formerly Invitae), Labcorp
Classification: Uncertain significance. Last evaluated: 2022-01-11. Review status: criteria provided, single submitter. Criteria: Invitae Variant Classification Sherloc (09022015). Collection method: clinical testing. Allele origin: germline.
Comment: This sequence change replaces threonine, which is neutral and polar, with isoleucine, which is neutral and non-polar, at codon 746 of the FAT1 protein (p.Thr746Ile). This variant is present in population databases (rs759685155, gnomAD 0.02%). This variant has not been reported in the literature in individuals affected with FAT1-related conditions. Algorithms developed to predict the effect of missense changes on protein structure and function are either unavailable or do not agree on the potential impact of this missense change (SIFT: "Deleterious"; PolyPhen-2: "Benign"; Align-GVGD: "Class C0"). In summary, the available evidence is currently insufficient to determine the role of this variant in disease. Therefore, it has been classified as a Variant of Uncertain Significance.

NM_005245.4(FAT1):c.2237C>T (p.Thr746Ile)

Gene: FAT1 (FAT atypical cadherin 1; minus strand). Cytogenetic location: 4q35.2.
Variant type: single nucleotide variant.
Coding change: c.2237C>T on transcript NM_005245.4 (MANE Select); coding-DNA position 2237, C replaced by T.
Protein change: p.Thr746Ile; replaces threonine 746 with isoleucine.
Molecular consequence: missense variant.
Genome position (GRCh38, 1-based): chr4:186,707,591, G>A on the plus strand (C>T on the coding strand, the complement: FAT1 is on the minus strand). VCF-style: chr4-186707591-G-A. GRCh37 (hg19) VCF-style: chr4-187628745-G-A.
Other names: short protein forms T746I.
Identifiers: ClinVar variation 1349992 (VCV001349992.7), dbSNP rs759685155, ClinGen allele CA3167304.